The following is an entry in ClinVar:

ClinVar aggregate classification (germline): Uncertain significance (1 of 4 stars; one submission).

Conditions:
Cardiovascular phenotype. Identifiers: MedGen CN230736.

Allele frequency attached by ClinVar (database versions not stated): TOPMed below 0.00001; gnomAD 0.00001.
gnomAD v4.1: 6 of 1,599,008 alleles (0.00038%); highest among the groups gnomAD compares: Admixed American, 0.0052%; no homozygotes.

Submission:

Ambry Genetics
Classification: Uncertain significance for Cardiovascular phenotype. Last evaluated: 2023-08-29. Review status: criteria provided, single submitter. Criteria: Ambry Variant Classification Scheme 2023. Collection method: clinical testing. Allele origin: germline.
Comment: The p.R39H variant (also known as c.116G>A), located in coding exon 3 of the TRPM4 gene, results from a G to A substitution at nucleotide position 116. The arginine at codon 39 is replaced by histidine, an amino acid with highly similar properties. This amino acid position is conserved. In addition, this alteration is predicted to be tolerated by in silico analysis. Since supporting evidence is limited at this time, the clinical significance of this alteration remains unclear.

NM_017636.4(TRPM4):c.116G>A (p.Arg39His)

Gene: TRPM4 (transient receptor potential cation channel subfamily M member 4; plus strand). Cytogenetic location: 19q13.33.
Variant type: single nucleotide variant.
Coding change: c.116G>A on transcript NM_017636.4 (MANE Select); coding-DNA position 116, G replaced by A.
Protein change: p.Arg39His; replaces arginine 39 with histidine.
Molecular consequence: missense variant. On other transcripts: 5 prime UTR variant (1), intron variant (2).
Genome position (GRCh38, 1-based): chr19:49,166,064, G>A. VCF-style: chr19-49166064-G-A. GRCh37 (hg19) VCF-style: chr19-49669321-G-A.
Other names: c.116G>A, p.Arg39His (NM_001195227.2, NM_001321281.2); c.-1257G>A (NM_001321282.2); c.-74-2196G>A (NM_001321283.2); c.-237-2489G>A (NM_001321285.2); short protein forms R39H.
Identifiers: ClinVar variation 2625627 (VCV002625627.2), dbSNP rs1202949892, ClinGen allele CA406789385.
Genomic context (GRCh38, chr19:49,166,064, plus strand): 5'-GCAGCCCTGGGTTCACGCTCCGCCCTCGCACCCCCAGAGGGACCTTGTGCCAGTGTGGGC[G>A]CCCCCGGACCGCCCACCCCGCAGTGGCCATGGAGGATGCCTTCGGGGCAGCCGTGGTGAC-3'
Protein context (NP_060106.2, residues 29-49): DPGGTLCQCG[Arg39His]PRTAHPAVAM